The following is an entry in ClinVar:

ClinVar aggregate classification (germline): Conflicting classifications of pathogenicity. Review status: criteria provided, conflicting classifications (1 of 4 stars). 3 submissions from 3 submitters: Uncertain significance (1); Likely benign (1). 1 of the submissions does not count toward it. Last evaluated 2025-03-06.

Conditions:
Inborn genetic diseases. Identifiers: MedGen C0950123, MeSH D030342.
Congenital myasthenic syndrome (CMS). Also called: Congenital Myasthenic Syndromes. Identifiers: Orphanet 590, MedGen C0751882, MeSH D020294, MONDO:0018940.
Congenital myasthenic syndrome 4A. Also called: Myasthenic syndrome, congenital, 4a, slow-channel; CONGENITAL MYASTHENIC SYNDROME TYPE Ia1; MYASTHENIC SYNDROME, CONGENITAL, 4A, SLOW-CHANNEL, AUTOSOMAL RECESSIVE. Identifiers: Orphanet 590, MedGen C4225413, MONDO:0011600, OMIM 605809.

Allele frequency attached by ClinVar (database versions not stated): gnomAD exomes below 0.00001; TOPMed below 0.00001; gnomAD 0.00001.
gnomAD v4.1: 9 of 1,613,440 alleles (0.00056%); highest among the groups gnomAD compares: African/African-American, 0.0013%; no homozygotes.

Submissions (3):

Ambry Genetics
Classification: Likely benign for Inborn genetic diseases. Last evaluated: 2025-03-06. Review status: criteria provided, single submitter. Criteria: Ambry Variant Classification Scheme 2023. Collection method: clinical testing. Allele origin: germline.

Labcorp Genetics (formerly Invitae), Labcorp
Classification: Uncertain significance for Congenital myasthenic syndrome 4A. Last evaluated: 2022-06-20. Review status: criteria provided, single submitter. Criteria: Invitae Variant Classification Sherloc (09022015). Collection method: clinical testing. Allele origin: germline.
Comment: This sequence change replaces isoleucine, which is neutral and non-polar, with valine, which is neutral and non-polar, at codon 231 of the CHRNE protein (p.Ile231Val). This variant is present in population databases (no rsID available, gnomAD 0.0009%). This variant has not been reported in the literature in individuals affected with CHRNE-related conditions. ClinVar contains an entry for this variant (Variation ID: 1011216). Advanced modeling of protein sequence and biophysical properties (such as structural, functional, and spatial information, amino acid conservation, physicochemical variation, residue mobility, and thermodynamic stability) performed at Invitae indicates that this missense variant is not expected to disrupt CHRNE protein function. In summary, the available evidence is currently insufficient to determine the role of this variant in disease. Therefore, it has been classified as a Variant of Uncertain Significance.

Natera, Inc.
Classification: Uncertain significance for Congenital myasthenic syndrome. Last evaluated: 2021-08-26. Review status: no assertion criteria provided. Collection method: clinical testing. Allele origin: germline. Not counted in ClinVar's aggregate classification.

NM_000080.4(CHRNE):c.691A>G (p.Ile231Val)

Genes: C17orf107 (chromosome 17 open reading frame 107; plus strand), CHRNE (cholinergic receptor nicotinic epsilon subunit; minus strand). Cytogenetic location: 17p13.2.
Variant type: single nucleotide variant.
Coding change: c.691A>G on transcript NM_000080.4 (MANE Select); coding-DNA position 691, A replaced by G.
Protein change: p.Ile231Val; replaces isoleucine 231 with valine.
Molecular consequence: missense variant. On other transcripts: 3 prime UTR variant (1).
Genome position (GRCh38, 1-based): chr17:4,901,101, T>C on the plus strand (A>G on the coding strand, the complement: CHRNE is on the minus strand). VCF-style: chr17-4901101-T-C. GRCh37 (hg19) VCF-style: chr17-4804396-T-C.
Other names: c.*568T>C (NM_001145536.2); c.691A>G (NM_000080.3); short protein forms I231V.
Identifiers: ClinVar variation 1011216 (VCV001011216.8), dbSNP rs1226552673, ClinGen allele CA397305062.
Genomic context (GRCh38, chr17:4,901,101, plus strand): 5'-AGGGCACGATGATGTTAATGACGTAGAAGAGCGGCTTCCGGCGGATGATGAGCGAGTAGA[T>C]GACGTCAGTCTCCCCTGGGCCGTCGGTGGCGCCACCGTGGTGGCGGCGGATCACCCCCGG-3'
Protein context (NP_000071.1, residues 221-241): ATDGPGETDV[Ile231Val]YSLIIRRKPL